The following is an entry in ClinVar:

NM_001375524.1(TRRAP):c.11303C>T (p.Ala3768Val)

Gene: TRRAP (transformation/transcription domain associated protein; plus strand). Cytogenetic location: 7q22.1.
Variant type: single nucleotide variant.
Coding change: c.11303C>T on transcript NM_001375524.1 (MANE Select); coding-DNA position 11303, C replaced by T.
Protein change: p.Ala3768Val; replaces alanine 3768 with valine.
Molecular consequence: missense variant.
Genome position (GRCh38, 1-based): chr7:99,011,501, C>T. VCF-style: chr7-99011501-C-T. GRCh37 (hg19) VCF-style: chr7-98609124-C-T.
Other names: c.11261C>T, p.Ala3754Val (NM_001244580.2); c.11174C>T, p.Ala3725Val (NM_003496.4); short protein forms A3725V, A3754V, A3768V.
Identifiers: ClinVar variation 2130783 (VCV002130783.4), dbSNP rs1223827934, ClinGen allele CA368343603.

ClinVar aggregate classification (germline): Uncertain significance (1 of 4 stars; one submission).

Allele frequency attached by ClinVar (database versions not stated): gnomAD exomes below 0.00001; TOPMed 0.00001.
gnomAD v4.1: 4 of 1,614,162 alleles (0.00025%); highest among the groups gnomAD compares: Non-Finnish European, 0.00034%; no homozygotes.

Submission:

Labcorp Genetics (formerly Invitae), Labcorp
Classification: Uncertain significance. Last evaluated: 2025-12-09. Review status: criteria provided, single submitter. Criteria: Invitae Variant Classification Sherloc (09022015). Collection method: clinical testing. Allele origin: germline.
Comment: This sequence change replaces alanine, which is neutral and non-polar, with valine, which is neutral and non-polar, at codon 3725 of the TRRAP protein (p.Ala3725Val). This variant is not present in population databases (gnomAD no frequency). This missense change has been observed in individual(s) with autism spectrum disorder (PMID: 38958063). This variant is also known as c.11261C>T. ClinVar contains an entry for this variant (Variation ID: 2130783). Invitae Evidence Modeling of protein sequence and biophysical properties (such as structural, functional, and spatial information, amino acid conservation, physicochemical variation, residue mobility, and thermodynamic stability) indicates that this missense variant is not expected to disrupt TRRAP protein function with a negative predictive value of 80%. In summary, the available evidence is currently insufficient to determine the role of this variant in disease. Therefore, it has been classified as a Variant of Uncertain Significance.

Literature cited by the submitters: PubMed 38958063.